The following is an entry in ClinVar:

NM_001352027.3(PHF21A):c.2015C>T (p.Ala672Val)

Gene: PHF21A (PHD finger protein 21A; minus strand). Cytogenetic location: 11p11.2.
Variant type: single nucleotide variant.
Coding change: c.2015C>T on transcript NM_001352027.3 (MANE Select); coding-DNA position 2015, C replaced by T.
Protein change: p.Ala672Val; replaces alanine 672 with valine.
Molecular consequence: missense variant. On other transcripts: non-coding transcript variant (2).
Genome position (GRCh38, 1-based): chr11:45,933,999, G>A on the plus strand (C>T on the coding strand, the complement: PHF21A is on the minus strand). VCF-style: chr11-45933999-G-A. GRCh37 (hg19) VCF-style: chr11-45955550-G-A.
Other names: c.1874C>T (NM_016621.3); c.2012C>T, p.Ala671Val (NM_001101802.3); c.2015C>T, p.Ala672Val (NM_001352025.3, NM_001352026.3); c.1874C>T, p.Ala625Val (NM_001352028.1, NM_001352029.1, NM_016621.5); c.1871C>T, p.Ala624Val (NM_001352030.3, NM_001352031.3, NM_001352032.3); short protein forms A624V, A625V, A671V, A672V.
Identifiers: ClinVar variation 1595935 (VCV001595935.34), dbSNP rs149898933, ClinGen allele CA5960903.

ClinVar aggregate classification (germline): Conflicting classifications of pathogenicity. Review status: criteria provided, conflicting classifications (1 of 4 stars). 4 submissions from 4 submitters: Uncertain significance (1); Likely benign (2). 1 of the submissions does not count toward it. Last evaluated 2025-12-13.

Conditions:
PHF21A-related disorder. Also called: PHF21A-related condition.

Allele frequency attached by ClinVar (database versions not stated): 1000 Genomes Project 30x 0.00047; 1000 Genomes Project 0.00060; TOPMed 0.00062; ESP Exome Variant Server 0.00069.
gnomAD v4.1: 148 of 1,593,080 alleles (0.0093%); highest among the groups gnomAD compares: African/African-American, 0.16%; no homozygotes.

Submissions (4):

Labcorp Genetics (formerly Invitae), Labcorp
Classification: Likely benign. Last evaluated: 2025-12-13. Review status: criteria provided, single submitter. Criteria: Invitae Variant Classification Sherloc (09022015). Collection method: clinical testing. Allele origin: germline.

GeneDx
Classification: Uncertain significance. Last evaluated: 2025-06-29. Review status: criteria provided, single submitter. Criteria: GeneDx Variant Classification Process June 2021. Collection method: clinical testing. Allele origin: germline. Affected: yes.
Comment: In silico analysis suggests that this missense variant does not alter protein structure/function; Has not been previously published as pathogenic or benign to our knowledge

CeGaT Center for Human Genetics Tuebingen
Classification: Likely benign. Last evaluated: 2023-05-01. Review status: criteria provided, single submitter. Criteria: CeGaT Center For Human Genetics Tuebingen Variant Classification Criteria Version 2. Collection method: clinical testing. Allele origin: germline. Affected: yes. Observed: 1 variant allele.
Comment: PHF21A: BP4, BS1

PreventionGenetics, part of Exact Sciences
Classification: Likely benign for PHF21A-related condition. Last evaluated: 2022-03-18. Review status: no assertion criteria provided. Collection method: clinical testing. Allele origin: germline. Not counted in ClinVar's aggregate classification.
Comment: This variant is classified as likely benign based on ACMG/AMP sequence variant interpretation guidelines (Richards et al. 2015 PMID: 25741868, with internal and published modifications).